The following is an entry in ClinVar:

ClinVar aggregate classification (germline): Uncertain significance. Review status: criteria provided, multiple submitters, no conflicts (2 of 4 stars). 2 submissions from 2 submitters: Uncertain significance (2). Last evaluated 2025-10-02.

Conditions:
Inborn genetic diseases. Identifiers: MedGen C0950123, MeSH D030342.
Chédiak-Higashi syndrome (CHS). Also called: Chediak-Higashi Syndrome. Identifiers: Orphanet 167, MedGen C0007965, MONDO:0008963, OMIM 214500.

Allele frequency attached by ClinVar (database versions not stated): ExAC 0.00001; gnomAD exomes 0.00001.
gnomAD v4.1: 6 of 1,613,120 alleles (0.00037%); highest among the groups gnomAD compares: Admixed American, 0.01%; no homozygotes.

Submissions (2):

Ambry Genetics
Classification: Uncertain significance for Inborn genetic diseases. Last evaluated: 2025-10-02. Review status: criteria provided, single submitter. Criteria: Ambry Variant Classification Scheme 2023. Collection method: clinical testing. Allele origin: germline.

Labcorp Genetics (formerly Invitae), Labcorp
Classification: Uncertain significance for Chédiak-Higashi syndrome. Last evaluated: 2022-06-19. Review status: criteria provided, single submitter. Criteria: Invitae Variant Classification Sherloc (09022015). Collection method: clinical testing. Allele origin: germline.
Comment: This sequence change replaces isoleucine, which is neutral and non-polar, with valine, which is neutral and non-polar, at codon 812 of the LYST protein (p.Ile812Val). This variant is present in population databases (rs775601184, gnomAD 0.01%). This variant has not been reported in the literature in individuals affected with LYST-related conditions. Algorithms developed to predict the effect of missense changes on protein structure and function output the following: SIFT: "Tolerated"; PolyPhen-2: "Benign"; Align-GVGD: "Class C0". The valine amino acid residue is found in multiple mammalian species, which suggests that this missense change does not adversely affect protein function. In summary, the available evidence is currently insufficient to determine the role of this variant in disease. Therefore, it has been classified as a Variant of Uncertain Significance.

NM_000081.4(LYST):c.2434A>G (p.Ile812Val)

Gene: LYST (lysosomal trafficking regulator; minus strand). Cytogenetic location: 1q42.3.
Variant type: single nucleotide variant.
Coding change: c.2434A>G on transcript NM_000081.4 (MANE Select); coding-DNA position 2434, A replaced by G.
Protein change: p.Ile812Val; replaces isoleucine 812 with valine.
Molecular consequence: missense variant.
Genome position (GRCh38, 1-based): chr1:235,806,702, T>C on the plus strand (A>G on the coding strand, the complement: LYST is on the minus strand). VCF-style: chr1-235806702-T-C. GRCh37 (hg19) VCF-style: chr1-235970002-T-C.
Other names: c.2434A>G, p.Ile812Val (NM_001301365.1); c.2434A>G (NM_000081.2); short protein forms I812V.
Identifiers: ClinVar variation 2079428 (VCV002079428.2), dbSNP rs775601184, ClinGen allele CA1467280.
Genomic context (GRCh38, chr1:235,806,702, plus strand): 5'-TCTGTTGCTCCCCTAGGCTGATTATCAGAGTTTCAAATGCTTTTAGAGAATGACTTCGAA[T>C]ACCATTTAAGCAATTTAATTCGATTATTTGACTTACTCCATTACAACTCAAAAACAAATC-3'
Protein context (NP_000072.2, residues 802-822): QIIELNCLNG[Ile812Val]RSHSLKAFET